The following is an entry in ClinVar:

ClinVar aggregate classification (germline): Uncertain significance (1 of 4 stars; one submission).

Conditions:
Joubert syndrome 21 (JBTS21). Identifiers: MedGen C3810212, MONDO:0014288, OMIM 615636.

Submission:

Labcorp Genetics (formerly Invitae), Labcorp
Classification: Uncertain significance for Joubert syndrome 21. Last evaluated: 2022-06-26. Review status: criteria provided, single submitter. Criteria: Invitae Variant Classification Sherloc (09022015). Collection method: clinical testing. Allele origin: germline.
Comment: In summary, the available evidence is currently insufficient to determine the role of this variant in disease. Therefore, it has been classified as a Variant of Uncertain Significance. Algorithms developed to predict the effect of missense changes on protein structure and function output the following: SIFT: "Deleterious"; PolyPhen-2: "Benign"; Align-GVGD: "Class C0". The arginine amino acid residue is found in multiple mammalian species, which suggests that this missense change does not adversely affect protein function. This variant has not been reported in the literature in individuals affected with CSPP1-related conditions. This variant is not present in population databases (gnomAD no frequency). This sequence change replaces lysine, which is basic and polar, with arginine, which is basic and polar, at codon 860 of the CSPP1 protein (p.Lys860Arg).

NM_001382391.1(CSPP1):c.2594A>G (p.Lys865Arg)

Gene: CSPP1 (centrosome and spindle pole associated protein 1; plus strand). Cytogenetic location: 8q13.2.
Variant type: single nucleotide variant.
Coding change: c.2594A>G on transcript NM_001382391.1 (MANE Select); coding-DNA position 2594, A replaced by G.
Protein change: p.Lys865Arg; replaces lysine 865 with arginine.
Molecular consequence: missense variant.
Genome position (GRCh38, 1-based): chr8:67,161,866, A>G. VCF-style: chr8-67161866-A-G. GRCh37 (hg19) VCF-style: chr8-68074101-A-G.
Other names: c.1544A>G, p.Lys515Arg (NM_001291339.2); c.2513A>G, p.Lys838Arg (NM_001363131.2); c.2399A>G, p.Lys800Arg (NM_001363132.2); c.2318A>G, p.Lys773Arg (NM_001363133.2); c.2660A>G, p.Lys887Arg (NM_001364869.1); c.2480A>G, p.Lys827Arg (NM_001364870.1); c.2579A>G, p.Lys860Arg (NM_024790.7); short protein forms K827R, K838R, K887R, K515R, K773R, K800R, K860R, K865R.
Identifiers: ClinVar variation 2011199 (VCV002011199.4), dbSNP rs1828425319, ClinGen allele CA371192259.
Genomic context (GRCh38, chr8:67,161,866, plus strand): 5'-TTCAGCACATGAGACAGCCTTCTCCTATAGTTCCTGCTCTTCAGAACAAAATTGCAAGCA[A>G]ACTCCAAAGACCTCCTTCAGTTGACAGCATCATACGTTCCTTTATTCATGTATGTACTTT-3'
Protein context (NP_001369320.1, residues 855-875): VPALQNKIAS[Lys865Arg]LQRPPSVDSI